The following is an entry in ClinVar:

ClinVar aggregate classification (germline): Benign. Review status: criteria provided, multiple submitters, no conflicts (2 of 4 stars). 3 submissions from 3 submitters: Benign (3). Last evaluated 2026-02-03.

Allele frequency attached by ClinVar (database versions not stated): 1000 Genomes Project 0.00459; 1000 Genomes Project 30x 0.00468; TOPMed 0.00790; gnomAD 0.00843 and 0.00856; gnomAD exomes 0.00920 and 0.01370; ESP Exome Variant Server 0.00953; ExAC 0.00958.
gnomAD v4.1: 21,255 of 1,614,210 alleles (1.3%); highest among the groups gnomAD compares: Non-Finnish European, 1.6%; 182 homozygotes.

Submissions (3):

Labcorp Genetics (formerly Invitae), Labcorp
Classification: Benign. Last evaluated: 2026-02-03. Review status: criteria provided, single submitter. Criteria: Invitae Variant Classification Sherloc (09022015). Collection method: clinical testing. Allele origin: germline.

Mayo Clinic Laboratories, Mayo Clinic
Classification: Benign. Last evaluated: 2024-08-15. Review status: criteria provided, single submitter. Criteria: ACMG Guidelines, 2015. Collection method: clinical testing. Allele origin: germline. Observed: 7 variant alleles.
Comment: BA1, BP4, BP7

CeGaT Center for Human Genetics Tuebingen
Classification: Benign. Last evaluated: 2023-12-01. Review status: criteria provided, single submitter. Criteria: CeGaT Center For Human Genetics Tuebingen Variant Classification Criteria Version 2. Collection method: clinical testing. Allele origin: germline. Affected: yes. Observed: 4 variant alleles.
Comment: PCDH12: BP4, BP7, BS1, BS2

NM_016580.4(PCDH12):c.1743G>C (p.Val581=)

Genes: PCDH12 (protocadherin 12; minus strand), RNF14 (ring finger protein 14; plus strand). Cytogenetic location: 5q31.3.
Variant type: single nucleotide variant.
Coding change: c.1743G>C on transcript NM_016580.4 (MANE Select); coding-DNA position 1743, G replaced by C.
Protein change: p.Val581=; no amino-acid change (valine 581 retained).
Molecular consequence: synonymous variant.
Genome position (GRCh38, 1-based): chr5:141,956,109, C>G on the plus strand (G>C on the coding strand, the complement: PCDH12 is on the minus strand). VCF-style: chr5-141956109-C-G. GRCh37 (hg19) VCF-style: chr5-141335674-C-G.
Other names: p.Val581=.
Identifiers: ClinVar variation 711312 (VCV000711312.43), dbSNP rs116711399, ClinGen allele CA3484350.